The following is an entry in ClinVar:

ClinVar aggregate classification (germline): Conflicting classifications of pathogenicity. Review status: criteria provided, conflicting classifications (1 of 4 stars). 2 submissions from 2 submitters: Uncertain significance (1); Likely benign (1). Last evaluated 2025-06-16.

Conditions:
Inborn genetic diseases. Identifiers: MedGen C0950123, MeSH D030342.
Combined immunodeficiency due to LRBA deficiency. Also called: Common variable immunodeficiency 8, with autoimmunity. Identifiers: Orphanet 445018, MedGen C3553512, MONDO:0013863, OMIM 614700.

gnomAD v4.1: 14 of 1,613,964 alleles (0.00087%); highest among the groups gnomAD compares: African/African-American, 0.004%; no homozygotes.

Submissions (2):

Ambry Genetics
Classification: Likely benign for Inborn genetic diseases. Last evaluated: 2025-06-16. Review status: criteria provided, single submitter. Criteria: Ambry Variant Classification Scheme 2023. Collection method: clinical testing. Allele origin: germline.

Labcorp Genetics (formerly Invitae), Labcorp
Classification: Uncertain significance for Combined immunodeficiency due to LRBA deficiency. Last evaluated: 2024-10-28. Review status: criteria provided, single submitter. Criteria: Invitae Variant Classification Sherloc (09022015). Collection method: clinical testing. Allele origin: germline.
Comment: This sequence change replaces arginine, which is basic and polar, with tryptophan, which is neutral and slightly polar, at codon 2806 of the LRBA protein (p.Arg2806Trp). This variant is present in population databases (no rsID available, gnomAD 0.003%). This variant has not been reported in the literature in individuals affected with LRBA-related conditions. Invitae Evidence Modeling of protein sequence and biophysical properties (such as structural, functional, and spatial information, amino acid conservation, physicochemical variation, residue mobility, and thermodynamic stability) indicates that this missense variant is not expected to disrupt LRBA protein function with a negative predictive value of 80%. In summary, the available evidence is currently insufficient to determine the role of this variant in disease. Therefore, it has been classified as a Variant of Uncertain Significance.

NM_001364905.1(LRBA):c.8383C>T (p.Arg2795Trp)

Gene: LRBA (LPS responsive beige-like anchor protein; minus strand). Cytogenetic location: 4q31.3.
Variant type: single nucleotide variant.
Coding change: c.8383C>T on transcript NM_001364905.1 (MANE Select); coding-DNA position 8383, C replaced by T.
Protein change: p.Arg2795Trp; replaces arginine 2795 with tryptophan.
Molecular consequence: missense variant.
Genome position (GRCh38, 1-based): chr4:150,277,938, G>A on the plus strand (C>T on the coding strand, the complement: LRBA is on the minus strand). VCF-style: chr4-150277938-G-A. GRCh37 (hg19) VCF-style: chr4-151199090-G-A.
Other names: c.8380C>T, p.Arg2794Trp (NM_001199282.3); c.8398C>T, p.Arg2800Trp (NM_001367550.1); c.8416C>T, p.Arg2806Trp (NM_006726.5); short protein forms R2794W, R2795W, R2800W, R2806W.
Identifiers: ClinVar variation 3615603 (VCV003615603.2).